The following is an entry in ClinVar:

ClinVar aggregate classification (germline): Uncertain significance (1 of 4 stars; one submission).

Conditions:
Eichsfeld type congenital muscular dystrophy (CMYO3). Also called: Rigid spine muscular dystrophy 1; MYOPATHY, SEPN1-RELATED; SELENON-related myopathy; Congenital myopathy 3 with rigid spine. Identifiers: MedGen C0410180, MONDO:0100100, OMIM 602771.

Submission:

Labcorp Genetics (formerly Invitae), Labcorp
Classification: Uncertain significance for Eichsfeld type congenital muscular dystrophy. Last evaluated: 2022-03-24. Review status: criteria provided, single submitter. Criteria: Invitae Variant Classification Sherloc (09022015). Collection method: clinical testing. Allele origin: germline.
Comment: This variant has not been reported in the literature in individuals affected with SELENON-related conditions. This variant is not present in population databases (gnomAD no frequency). This sequence change replaces threonine, which is neutral and polar, with serine, which is neutral and polar, at codon 434 of the SELENON protein (p.Thr434Ser). Algorithms developed to predict the effect of missense changes on protein structure and function (SIFT, PolyPhen-2, Align-GVGD) all suggest that this variant is likely to be tolerated. In summary, the available evidence is currently insufficient to determine the role of this variant in disease. Therefore, it has been classified as a Variant of Uncertain Significance.

NM_206926.2(SELENON):c.1199C>G (p.Thr400Ser)

Gene: SELENON (selenoprotein N; plus strand). Cytogenetic location: 1p36.11.
Variant type: single nucleotide variant.
Coding change: c.1199C>G on transcript NM_206926.2 (MANE Select); coding-DNA position 1199, C replaced by G.
Protein change: p.Thr400Ser; replaces threonine 400 with serine.
Molecular consequence: missense variant.
Genome position (GRCh38, 1-based): chr1:25,812,706, C>G. VCF-style: chr1-25812706-C-G. GRCh37 (hg19) VCF-style: chr1-26139197-C-G.
Other names: c.1301C>G, p.Thr434Ser (NM_020451.3); short protein forms T434S, T400S.
Identifiers: ClinVar variation 2116620 (VCV002116620.4), dbSNP rs2525000348, ClinGen allele CA339117708.